The following is an entry in ClinVar:

ClinVar aggregate classification (germline): Likely pathogenic (1 of 4 stars; one submission).

Submission:

Labcorp Genetics (formerly Invitae), Labcorp
Classification: Likely pathogenic. Last evaluated: 2023-12-19. Review status: criteria provided, single submitter. Criteria: Invitae Variant Classification Sherloc (09022015). Collection method: clinical testing. Allele origin: germline.
Comment: This sequence change creates a premature translational stop signal (p.Glu666*) in the COL10A1 gene. While this is not anticipated to result in nonsense mediated decay, it is expected to disrupt the last 15 amino acid(s) of the COL10A1 protein. This variant is not present in population databases (gnomAD no frequency). This premature translational stop signal has been observed in individual(s) with clinical features of autosomal dominant metaphyseal dysplasia, Schmid type (Invitae). ClinVar contains an entry for this variant (Variation ID: 2041732). This variant is located in a region of the COL10A1 protein where a significant number of COL10A1 nonsense and frameshift mutations have been reported in association with autosomal dominant metaphyseal chondrodysplasia (PMID: 21447328, 33764685, 36400164). In summary, the currently available evidence indicates that the variant is pathogenic, but additional data are needed to prove that conclusively. Therefore, this variant has been classified as Likely Pathogenic.

Literature cited by the submitters: PubMed 21447328; PubMed 33764685; PubMed 36400164.

NM_000493.4(COL10A1):c.1995dup (p.Glu666Ter)

Genes: COL10A1 (collagen type X alpha 1 chain; minus strand), NT5DC1 (5'-nucleotidase domain containing 1; plus strand). Cytogenetic location: 6q22.1.
Variant type: Duplication.
Coding change: c.1995dup on transcript NM_000493.4 (MANE Select); coding-DNA position 1995, one base duplicated (T; older notation c.1995dupT).
Protein change: p.Glu666Ter; replaces glutamic acid 666 with a stop codon.
Molecular consequence: nonsense. On other transcripts: intron variant (1).
Genome position (GRCh38, 1-based): chr6:116,120,121, A duplicated on the plus strand (T on the coding strand, the reverse complement: COL10A1 is on the minus strand). VCF-style (leftmost placement, unchanged base first): chr6-116120120-C-CA. GRCh37 (hg19) VCF-style: chr6-116441283-C-CA.
Other names: c.1995dup, p.Glu666Ter (NM_001424106.1, NM_001424107.1); c.529+2176dup (NM_152729.3); short protein forms E666*.
Identifiers: ClinVar variation 2041732 (VCV002041732.4), dbSNP rs2534083328, ClinGen allele CA2580074792.